The following is an entry in ClinVar:

NM_025074.7(FRAS1):c.4732dup (p.Ser1578fs)

Gene: FRAS1 (Fraser extracellular matrix complex subunit 1; plus strand). Cytogenetic location: 4q21.21.
Variant type: Duplication.
Coding change: c.4732dup on transcript NM_025074.7 (MANE Select); coding-DNA position 4732, one base duplicated (A; older notation c.4732dupA).
Protein change: p.Ser1578fs; shifts the reading frame from serine 1578.
Molecular consequence: frameshift variant.
Genome position (GRCh38, 1-based): chr4:78,429,115, A duplicated; the last of 2 consecutive A bases (chr4:78,429,114-78,429,115); duplicating either gives the same sequence. VCF-style (leftmost placement, unchanged base first): chr4-78429113-C-CA. GRCh37 (hg19) VCF-style: chr4-79350267-C-CA.
Other names: c.4732dup, p.Ser1578fs (NM_001166133.2); short protein forms S1578fs.
Identifiers: ClinVar variation 2862813 (VCV002862813.3), dbSNP rs2477142367, ClinGen allele CA2739270127.

ClinVar aggregate classification (germline): Pathogenic (1 of 4 stars; one submission).

Submission:

Labcorp Genetics (formerly Invitae), Labcorp
Classification: Pathogenic. Last evaluated: 2023-05-09. Review status: criteria provided, single submitter. Criteria: Invitae Variant Classification Sherloc (09022015). Collection method: clinical testing. Allele origin: germline.
Comment: For these reasons, this variant has been classified as Pathogenic. This variant has not been reported in the literature in individuals affected with FRAS1-related conditions. This variant is not present in population databases (gnomAD no frequency). This sequence change creates a premature translational stop signal (p.Ser1578Lysfs*14) in the FRAS1 gene. It is expected to result in an absent or disrupted protein product. Loss-of-function variants in FRAS1 are known to be pathogenic (PMID: 12766769, 18671281).

Literature cited by the submitters: PubMed 12766769; PubMed 18671281.